The following is an entry in ClinVar:

NM_022773.4(LMF1):c.383T>A (p.Leu128Ter)

Gene: LMF1 (lipase maturation factor 1; minus strand). Cytogenetic location: 16p13.3.
Variant type: single nucleotide variant.
Coding change: c.383T>A on transcript NM_022773.4 (MANE Select); coding-DNA position 383, T replaced by A.
Protein change: p.Leu128Ter; replaces leucine 128 with a stop codon.
Molecular consequence: nonsense. On other transcripts: non-coding transcript variant (1), 5 prime UTR variant (3).
Genome position (GRCh38, 1-based): chr16:954,477, A>T on the plus strand (T>A on the coding strand, the complement: LMF1 is on the minus strand). VCF-style: chr16-954477-A-T. GRCh37 (hg19) VCF-style: chr16-1004477-A-T.
Other names: c.-421T>A (NM_001352017.2); c.-172T>A (NM_001352018.2); c.56T>A, p.Leu19Ter (NM_001352019.2); c.383T>A, p.Leu128Ter (NM_001352020.1); c.-323T>A (NM_001352021.2); c.383T>A (NM_022773.2); short protein forms L128*, L19*.
Identifiers: ClinVar variation 2447059 (VCV002447059.9), dbSNP rs2072617381, ClinGen allele CA394104535.

ClinVar aggregate classification (germline): Conflicting classifications of pathogenicity. Review status: criteria provided, conflicting classifications (1 of 4 stars). 5 submissions from 5 submitters: Pathogenic (1); Likely pathogenic (2); Uncertain significance (1). 1 of the submissions does not count toward it. Last evaluated 2025-10-28.

Conditions:
Lipase deficiency, combined. Also called: LIPOPROTEIN LIPASE DEFICIENCY WITH HEPATIC TRIGLYCERIDE LIPASE DEFICIENCY; LPL AND HL DEFICIENCY; LPL AND HTGL DEFICIENCY. Identifiers: Orphanet 535453, MedGen C1855498, MONDO:0009527, OMIM 246650.
Cardiovascular phenotype. Identifiers: MedGen CN230736.
LMF1-related disorder. Also called: LMF1-related condition.

Allele frequency attached by ClinVar (database versions not stated): gnomAD exomes 0.00001; TOPMed 0.00001.
gnomAD v4.1: 3 of 1,612,864 alleles (0.00019%); highest among the groups gnomAD compares: Non-Finnish European, 0.00025%; no homozygotes.

Submissions (5):

PreventionGenetics, part of Exact Sciences
Classification: Likely pathogenic for LMF1-related condition. Last evaluated: 2025-10-28. Review status: criteria provided, single submitter. Criteria: ACMG Guidelines, 2015. Collection method: clinical testing. Allele origin: germline.
Comment: The LMF1 c.383T>A variant is predicted to result in premature protein termination (p.Leu128*). This variant has been reported in a cohort study with chylomicronemia syndrome (Table S2, D'Erasmo et al. 2019. PubMed ID: 31619059). This variant has not been reported in a large population database, indicating this variant is rare. Nonsense variants in LMF1 are expected to be pathogenic. This variant is interpreted as likely pathogenic.

Labcorp Genetics (formerly Invitae), Labcorp
Classification: Pathogenic. Last evaluated: 2023-08-22. Review status: criteria provided, single submitter. Criteria: Invitae Variant Classification Sherloc (09022015). Collection method: clinical testing. Allele origin: germline.
Comment: For these reasons, this variant has been classified as Pathogenic. ClinVar contains an entry for this variant (Variation ID: 2447059). This premature translational stop signal has been observed in individual(s) with chylomicronemia syndrome (PMID: 31619059). This variant is not present in population databases (gnomAD no frequency). This sequence change creates a premature translational stop signal (p.Leu128*) in the LMF1 gene. It is expected to result in an absent or disrupted protein product. Loss-of-function variants in LMF1 are known to be pathogenic (PMID: 17994020, 19820022, 22239554).

Ambry Genetics
Classification: Uncertain significance for Cardiovascular phenotype. Last evaluated: 2023-03-07. Review status: criteria provided, single submitter. Criteria: Ambry Variant Classification Scheme 2023. Collection method: clinical testing. Allele origin: germline.
Comment: The p.L128* variant (also known as c.383T>A), located in coding exon 2 of the LMF1 gene, results from a T to A substitution at nucleotide position 383. This changes the amino acid from a leucine to a stop codon within coding exon 2. This alteration has been reported as a heterozygote in both congenital heart disease and chylomicromemia syndrome cohorts (Jin SC et al. Nat Genet, 2017 Nov;49:1593-1601; D'Erasmo L et al. Arterioscler Thromb Vasc Biol, 2019 Dec;39:2531-2541). This alteration is expected to result in loss of function by premature protein truncation or nonsense-mediated mRNA decay. However, this region of the LMF1 gene is excluded from other biologically relevant LMF1 transcripts. Since supporting evidence is limited at this time, the clinical significance of this alteration remains unclear.

Molecular Diagnostic Laboratory for Inherited Cardiovascular Disease, Montreal Heart Institute
Classification: Likely pathogenic for Cardiovascular phenotype. Last evaluated: 2020-12-02. Review status: criteria provided, single submitter. Criteria: ACMG Guidelines, 2015. Collection method: clinical testing. Allele origin: germline. Affected: yes.

Cardiovascular Genetics Laboratory, PathWest Laboratory Medicine WA - Fiona Stanley Hospital
Classification: Pathogenic for Lipase deficiency, combined. Last evaluated: 2024-02-22. Review status: no assertion criteria provided. Criteria: ACMG Guidelines, 2015. Collection method: clinical testing. Allele origin: germline. Affected: yes. Not counted in ClinVar's aggregate classification.

Literature cited by the submitters: PubMed 31619059 (cited by Labcorp Genetics (formerly Invitae), Labcorp and Ambry Genetics); PubMed 17994020 (cited by Labcorp Genetics (formerly Invitae), Labcorp); PubMed 19820022 (cited by Labcorp Genetics (formerly Invitae), Labcorp); PubMed 22239554 (cited by Labcorp Genetics (formerly Invitae), Labcorp); PubMed 28991257 (cited by Ambry Genetics).